The following is an entry in ClinVar:

ClinVar aggregate classification (germline): Uncertain significance. Review status: criteria provided, multiple submitters, no conflicts (2 of 4 stars). 2 submissions from 2 submitters: Uncertain significance (2). Last evaluated 2026-07-01.

Conditions:
Familial thoracic aortic aneurysm and aortic dissection (TAAD). Also called: Thoracic aortic aneurysms and dissections. Identifiers: Orphanet 91387, MedGen C4707243, MONDO:0019625.

Allele frequency attached by ClinVar (database versions not stated): gnomAD exomes below 0.00001.

Submissions (2):

Ambry Genetics
Classification: Uncertain significance for Familial thoracic aortic aneurysm and aortic dissection. Last evaluated: 2026-07-01. Review status: criteria provided, single submitter. Criteria: Ambry Variant Classification Scheme 2023. Collection method: clinical testing. Allele origin: germline.
Comment: The p.I582M variant (also known as c.1746T>G), located in coding exon 8 of the TGFBR2 gene, results from a T to G substitution at nucleotide position 1746. The isoleucine at codon 582 is replaced by methionine, an amino acid with highly similar properties. This amino acid position is conserved. In addition, the in silico prediction for this alteration is inconclusive. Based on the available evidence, the clinical significance of this variant remains unclear.

Labcorp Genetics (formerly Invitae), Labcorp
Classification: Uncertain significance for Familial thoracic aortic aneurysm and aortic dissection. Last evaluated: 2023-11-24. Review status: criteria provided, single submitter. Criteria: Invitae Variant Classification Sherloc (09022015). Collection method: clinical testing. Allele origin: germline.
Comment: This sequence change replaces isoleucine, which is neutral and non-polar, with methionine, which is neutral and non-polar, at codon 557 of the TGFBR2 protein (p.Ile557Met). This variant is not present in population databases (gnomAD no frequency). This variant has not been reported in the literature in individuals affected with TGFBR2-related conditions. Advanced modeling of protein sequence and biophysical properties (such as structural, functional, and spatial information, amino acid conservation, physicochemical variation, residue mobility, and thermodynamic stability) has been performed at Invitae for this missense variant, however the output from this modeling did not meet the statistical confidence thresholds required to predict the impact of this variant on TGFBR2 protein function. In summary, the available evidence is currently insufficient to determine the role of this variant in disease. Therefore, it has been classified as a Variant of Uncertain Significance.

NM_003242.6(TGFBR2):c.1671T>G (p.Ile557Met)

Gene: TGFBR2 (transforming growth factor beta receptor 2; plus strand). Cytogenetic location: 3p24.1.
Variant type: single nucleotide variant.
Coding change: c.1671T>G on transcript NM_003242.6 (MANE Select); coding-DNA position 1671, T replaced by G.
Protein change: p.Ile557Met; replaces isoleucine 557 with methionine.
Molecular consequence: missense variant.
Genome position (GRCh38, 1-based): chr3:30,691,566, T>G. VCF-style: chr3-30691566-T-G. GRCh37 (hg19) VCF-style: chr3-30733058-T-G.
Other names: c.1746T>G, p.Ile582Met (NM_001024847.3); c.1854T>G, p.Ile618Met (NM_001407126.1); c.1779T>G, p.Ile593Met (NM_001407127.1); c.1698T>G, p.Ile566Met (NM_001407128.1); c.1674T>G, p.Ile558Met (NM_001407129.1); c.1668T>G, p.Ile556Met (NM_001407130.1); c.1566T>G, p.Ile522Met (NM_001407132.1, NM_001407133.1, NM_001407134.1 and 2 more transcripts); c.1386T>G, p.Ile462Met (NM_001407137.1); and 2 more; short protein forms I267M, I557M, I593M, I582M, I522M, I618M, I437M, I462M.
Identifiers: ClinVar variation 2757813 (VCV002757813.4), dbSNP rs2470604555, ClinGen allele CA351809798.